The following is an entry in ClinVar:

NM_001458.5(FLNC):c.5293C>G (p.His1765Asp)

Gene: FLNC (filamin C; plus strand). Cytogenetic location: 7q32.1.
Variant type: single nucleotide variant.
Coding change: c.5293C>G on transcript NM_001458.5 (MANE Select); coding-DNA position 5293, C replaced by G.
Protein change: p.His1765Asp; replaces histidine 1765 with aspartic acid.
Molecular consequence: missense variant. On other transcripts: intron variant (1).
Genome position (GRCh38, 1-based): chr7:128,850,069, C>G. VCF-style: chr7-128850069-C-G. GRCh37 (hg19) VCF-style: chr7-128490123-C-G.
Other names: c.5200-315C>G (NM_001127487.2); short protein forms H1765D.
Identifiers: ClinVar variation 4812520 (VCV004812520.1).

ClinVar aggregate classification (germline): Uncertain significance (1 of 4 stars; one submission).

Conditions:
Hypertrophic cardiomyopathy 26. Also called: Cardiomyopathy, familial hypertrophic, 26. Identifiers: Orphanet 75249, MedGen C4310749, MONDO:0014883, OMIM 617047.
Myofibrillar myopathy 5. Also called: Filaminopathy (type); FILAMINOPATHY, AUTOSOMAL DOMINANT. Identifiers: Orphanet 171445, MedGen C1836050, MONDO:0012289, OMIM 609524.
Distal myopathy with posterior leg and anterior hand involvement. Also called: WILLIAMS DISTAL MYOPATHY. Identifiers: Orphanet 63273, MedGen C3279722, MONDO:0013550, OMIM 614065.

Submission:

Labcorp Genetics (formerly Invitae), Labcorp
Classification: Uncertain significance for Distal myopathy with posterior leg and anterior hand involvement; Myofibrillar myopathy 5; Hypertrophic cardiomyopathy 26. Last evaluated: 2025-08-18. Review status: criteria provided, single submitter. Criteria: Invitae Variant Classification Sherloc (09022015). Collection method: clinical testing. Allele origin: germline.
Comment: This sequence change replaces histidine, which is basic and polar, with aspartic acid, which is acidic and polar, at codon 1765 of the FLNC protein (p.His1765Asp). This variant is not present in population databases (gnomAD no frequency). This variant has not been reported in the literature in individuals affected with FLNC-related conditions. An algorithm developed to predict the effect of missense changes on protein structure and function (PolyPhen-2) suggests that this variant is likely to be tolerated. In summary, the available evidence is currently insufficient to determine the role of this variant in disease. Therefore, it has been classified as a Variant of Uncertain Significance.